The following is an entry in ClinVar:

ClinVar aggregate classification (germline): Conflicting classifications of pathogenicity. Review status: criteria provided, conflicting classifications (1 of 4 stars). 2 submissions from 2 submitters: Uncertain significance (1); Likely benign (1). Last evaluated 2018-01-12.

Conditions:
Combined oxidative phosphorylation defect type 4. Identifiers: Orphanet 254925, MedGen C1857682, MONDO:0012534, OMIM 610678.

Allele frequency attached by ClinVar (database versions not stated): gnomAD below 0.00001 and 0.00001; TOPMed 0.00001; gnomAD exomes 0.00002 and 0.00003; ExAC 0.00003.
gnomAD v4.1: 33 of 1,614,016 alleles (0.002%); highest among the groups gnomAD compares: South Asian, 0.034%; no homozygotes.

Submissions (2):

Illumina Laboratory Services, Illumina
Classification: Uncertain significance for Combined oxidative phosphorylation defect type 4. Last evaluated: 2018-01-12. Review status: criteria provided, single submitter. Criteria: ICSL Variant Classification Criteria 13 December 2019. Collection method: clinical testing. Allele origin: germline.

GeneDx
Classification: Likely benign. Last evaluated: 2016-04-19. Review status: criteria provided, single submitter. Criteria: GeneDx Variant Classification (06012015). Collection method: clinical testing. Allele origin: germline. Affected: yes.
Comment: This variant is considered likely benign or benign based on one or more of the following criteria: it is a conservative change, it occurs at a poorly conserved position in the protein, it is predicted to be benign by multiple in silico algorithms, and/or has population frequency not consistent with disease.

NM_003321.5(TUFM):c.519+15G>A

Gene: TUFM (Tu translation elongation factor, mitochondrial; minus strand). Cytogenetic location: 16p11.2.
Variant type: single nucleotide variant.
Coding change: c.519+15G>A on transcript NM_003321.5 (MANE Select); 15 bases into the intron after coding-DNA position 519, G replaced by A.
Molecular consequence: intron variant.
Genome position (GRCh38, 1-based): chr16:28,844,936, C>T on the plus strand (G>A on the coding strand, the complement: TUFM is on the minus strand). VCF-style: chr16-28844936-C-T. GRCh37 (hg19) VCF-style: chr16-28856257-C-T.
Other names: c.519+15G>A (NM_001365360.2).
Identifiers: ClinVar variation 318753 (VCV000318753.5), dbSNP rs758912548, ClinGen allele CA7985617.